The following is an entry in ClinVar:

ClinVar aggregate classification (germline): Likely benign (1 of 4 stars; one submission).

Submission:

Mayo Clinic Laboratories, Mayo Clinic
Classification: Likely benign. Last evaluated: 2025-02-27. Review status: criteria provided, single submitter. Criteria: ACMG Guidelines, 2015. Collection method: clinical testing. Allele origin: germline. Observed: 1 variant allele.
Comment: BP4, BP7

NM_001386393.1(PANK2):c.-25G>A

Genes: PANK2 (pantothenate kinase 2; plus strand), LOC130065345 (ATAC-STARR-seq lymphoblastoid silent region 12635; plus strand). Cytogenetic location: 20p13.
Variant type: single nucleotide variant.
Coding change: c.-25G>A on transcript NM_001386393.1 (MANE Select); 25 bases upstream of the start codon, G replaced by A.
Molecular consequence: 5 prime UTR variant. On other transcripts: synonymous variant (2), non-coding transcript variant (1), intron variant (1).
Genome position (GRCh38, 1-based): chr20:3,889,406, G>A. VCF-style: chr20-3889406-G-A. GRCh37 (hg19) VCF-style: chr20-3870053-G-A.
Other names: p.Ala102=; c.-736G>A (NM_001324191.2); c.306G>A, p.Ala102= (NM_001324192.1, NM_153638.4); c.-246+502G>A (NM_024960.6).
Identifiers: ClinVar variation 4684404 (VCV004684404.1).